The following is an entry in ClinVar:

ClinVar aggregate classification (germline): Conflicting classifications of pathogenicity. Review status: criteria provided, conflicting classifications (1 of 4 stars). 3 submissions from 3 submitters: Uncertain significance (2); Likely benign (1). Last evaluated 2024-04-30.

Conditions:
Werner syndrome (WRN). Identifiers: Orphanet 902, MedGen C0043119, MONDO:0010196, OMIM 277700.

Submissions (3):

Labcorp Genetics (formerly Invitae), Labcorp
Classification: Uncertain significance for Werner syndrome. Last evaluated: 2024-04-30. Review status: criteria provided, single submitter. Criteria: Invitae Variant Classification Sherloc (09022015). Collection method: clinical testing. Allele origin: germline.
Comment: This sequence change replaces arginine, which is basic and polar, with serine, which is neutral and polar, at codon 1000 of the WRN protein (p.Arg1000Ser). This variant is not present in population databases (gnomAD no frequency). This variant has not been reported in the literature in individuals affected with WRN-related conditions. ClinVar contains an entry for this variant (Variation ID: 362810). Algorithms developed to predict the effect of missense changes on protein structure and function output the following: SIFT: "Not Available"; PolyPhen-2: "Benign"; Align-GVGD: "Not Available". The serine amino acid residue is found in multiple mammalian species, which suggests that this missense change does not adversely affect protein function. In summary, the available evidence is currently insufficient to determine the role of this variant in disease. Therefore, it has been classified as a Variant of Uncertain Significance.

Blueprint Genetics
Classification: Likely benign. Last evaluated: 2022-08-31. Review status: criteria provided, single submitter. Criteria: ACMG Guidelines, 2015. Collection method: clinical testing. Allele origin: germline.

Illumina Laboratory Services, Illumina
Classification: Uncertain significance for Werner syndrome. Last evaluated: 2018-01-13. Review status: criteria provided, single submitter. Criteria: ICSL Variant Classification Criteria 13 December 2019. Collection method: clinical testing. Allele origin: germline.

NM_000553.6(WRN):c.3000G>C (p.Arg1000Ser)

Gene: WRN (WRN RecQ like helicase; plus strand). Cytogenetic location: 8p12.
Variant type: single nucleotide variant.
Coding change: c.3000G>C on transcript NM_000553.6 (MANE Select); coding-DNA position 3000, G replaced by C.
Protein change: p.Arg1000Ser; replaces arginine 1000 with serine.
Molecular consequence: missense variant.
Genome position (GRCh38, 1-based): chr8:31,141,462, G>C. VCF-style: chr8-31141462-G-C. GRCh37 (hg19) VCF-style: chr8-30998978-G-C.
Other names: short protein forms R1000S.
Identifiers: ClinVar variation 362810 (VCV000362810.12), dbSNP rs886062891, ClinGen allele CA10625340.